The following is an entry in ClinVar:

ClinVar aggregate classification (germline): Likely pathogenic (1 of 4 stars; one submission).

Conditions:
Leber congenital amaurosis (LCA). Also called: Leber's amaurosis. Identifiers: Orphanet 65, MedGen C0339527, MeSH D057130, MONDO:0018998.

Submission:

Natera, Inc.
Classification: Likely pathogenic for Leber congenital amaurosis. Last evaluated: 2025-10-23. Review status: criteria provided, single submitter. Criteria: Natera Variant Classification Schema (03/2026). Collection method: clinical testing. Allele origin: germline.
Comment: The c.4677T>A variant in CEP290 is a nonsense variant predicted to introduce a stop codon at amino acid 1559. This variant is expected to result in nonsense mediated decay, truncation, or a dysfunctional protein product. This variant is rare in the general population with a frequency below the threshold expected for the associated phenotype(s). Given the available evidence, this variant is classified as Likely Pathogenic.

NM_025114.4(CEP290):c.4677T>A (p.Tyr1559Ter)

Gene: CEP290 (centrosomal protein 290; minus strand). Cytogenetic location: 12q21.32.
Variant type: single nucleotide variant.
Coding change: c.4677T>A on transcript NM_025114.4 (MANE Select); coding-DNA position 4677, T replaced by A.
Protein change: p.Tyr1559Ter; replaces tyrosine 1559 with a stop codon.
Molecular consequence: nonsense.
Genome position (GRCh38, 1-based): chr12:88,084,613, A>T on the plus strand (T>A on the coding strand, the complement: CEP290 is on the minus strand). VCF-style: chr12-88084613-A-T. GRCh37 (hg19) VCF-style: chr12-88478390-A-T.
Other names: short protein forms Y1559*.
Identifiers: ClinVar variation 4816218 (VCV004816218.1).